The following is an entry in ClinVar:

NM_001844.5(COL2A1):c.292+2T>A

Gene: COL2A1 (collagen type II alpha 1 chain; minus strand). Cytogenetic location: 12q13.11.
Variant type: single nucleotide variant.
Coding change: c.292+2T>A on transcript NM_001844.5 (MANE Select); the canonical splice donor site of the intron after coding-DNA position 292, T replaced by A.
Molecular consequence: splice donor variant. On other transcripts: intron variant (1).
Genome position (GRCh38, 1-based): chr12:47,999,917, A>T on the plus strand (T>A on the coding strand, the complement: COL2A1 is on the minus strand). VCF-style: chr12-47999917-A-T. GRCh37 (hg19) VCF-style: chr12-48393700-A-T.
Other names: c.86-1486T>A (NM_033150.3).
Identifiers: ClinVar variation 3063820 (VCV003063820.2), dbSNP rs2540187271, ClinGen allele CA384525697.

ClinVar aggregate classification (germline): Likely pathogenic. Review status: criteria provided, multiple submitters, no conflicts (2 of 4 stars). 2 submissions from 2 submitters: Likely pathogenic (2). Last evaluated 2025-10-21.

Conditions:
Achondrogenesis type II (ACG2). Also called: ACHONDROGENESIS, LANGER-SALDINO TYPE; CHONDROGENESIS IMPERFECTA. Identifiers: Orphanet 932, Orphanet 93296, MedGen C0220685, MONDO:0008702, OMIM 200610.

Submissions (2):

Labcorp Genetics (formerly Invitae), Labcorp
Classification: Likely pathogenic. Last evaluated: 2025-10-21. Review status: criteria provided, single submitter. Criteria: Invitae Variant Classification Sherloc (09022015). Collection method: clinical testing. Allele origin: germline.
Comment: This sequence change affects a donor splice site in intron 2 of the COL2A1 gene. It is expected to disrupt RNA splicing. Variants that disrupt the donor or acceptor splice site typically lead to a loss of protein function (PMID: 16199547), and loss-of-function variants in COL2A1 are known to be pathogenic (PMID: 20179744). This variant is not present in population databases (gnomAD no frequency). This variant has not been reported in the literature in individuals affected with COL2A1-related conditions. ClinVar contains an entry for this variant (Variation ID: 3063820). Algorithms developed to predict the effect of sequence changes on RNA splicing suggest that this variant may disrupt the consensus splice site. In summary, the currently available evidence indicates that the variant is pathogenic, but additional data are needed to prove that conclusively. Therefore, this variant has been classified as Likely Pathogenic.

Women's Health and Genetics/Laboratory Corporation of America, LabCorp
Classification: Likely pathogenic for Achondrogenesis type II. Last evaluated: 2024-01-09. Review status: criteria provided, single submitter. Criteria: LabCorp Variant Classification Summary - May 2015. Collection method: clinical testing. Allele origin: germline.
Comment: Variant summary: COL2A1 c.292+2T>A is located in a canonical splice-site and is predicted to affect mRNA splicing resulting in a significantly altered protein due to either exon skipping, shortening, or inclusion of intronic material. Several computational tools predict a significant impact on normal splicing: Two predict the variant creates a 5' donor site. However, these predictions have yet to be confirmed by functional studies. The variant was absent in 249564 control chromosomes. To our knowledge, no occurrence of c.292+2T>A in individuals affected with Achondrogenesis, Type II and no experimental evidence demonstrating its impact on protein function have been reported. No submitters have cited clinical-significance assessments for this variant to ClinVar. Based on the evidence outlined above, the variant was classified as likely pathogenic.

Literature cited by the submitters: PubMed 16199547 (cited by Labcorp Genetics (formerly Invitae), Labcorp); PubMed 20179744 (cited by Labcorp Genetics (formerly Invitae), Labcorp).